The following is an entry in ClinVar:

NM_001164665.2(KIAA1549):c.5564C>T (p.Ser1855Leu)

Gene: KIAA1549 (KIAA1549; minus strand). Cytogenetic location: 7q34.
Variant type: single nucleotide variant.
Coding change: c.5564C>T on transcript NM_001164665.2 (MANE Select); coding-DNA position 5564, C replaced by T.
Protein change: p.Ser1855Leu; replaces serine 1855 with leucine.
Molecular consequence: missense variant.
Genome position (GRCh38, 1-based): chr7:138,840,167, G>A on the plus strand (C>T on the coding strand, the complement: KIAA1549 is on the minus strand). VCF-style: chr7-138840167-G-A. GRCh37 (hg19) VCF-style: chr7-138524912-G-A.
Other names: c.5564C>T, p.Ser1855Leu (NM_020910.3); short protein forms S1855L.
Identifiers: ClinVar variation 1920251 (VCV001920251.5), dbSNP rs1467100522, ClinGen allele CA369385695.

ClinVar aggregate classification (germline): Uncertain significance (1 of 4 stars; one submission).

Allele frequency attached by ClinVar (database versions not stated): gnomAD 0.00001; gnomAD exomes 0.00001; TOPMed 0.00002.
gnomAD v4.1: 14 of 1,556,396 alleles (0.0009%); highest among the groups gnomAD compares: Admixed American, 0.0039%; no homozygotes.

Submission:

Labcorp Genetics (formerly Invitae), Labcorp
Classification: Uncertain significance. Last evaluated: 2023-12-22. Review status: criteria provided, single submitter. Criteria: Invitae Variant Classification Sherloc (09022015). Collection method: clinical testing. Allele origin: germline.
Comment: This sequence change replaces serine, which is neutral and polar, with leucine, which is neutral and non-polar, at codon 1855 of the KIAA1549 protein (p.Ser1855Leu). This variant is present in population databases (no rsID available, gnomAD 0.004%). This variant has not been reported in the literature in individuals affected with KIAA1549-related conditions. ClinVar contains an entry for this variant (Variation ID: 1920251). Algorithms developed to predict the effect of missense changes on protein structure and function output the following: SIFT: "Not Available"; PolyPhen-2: "Benign"; Align-GVGD: "Not Available". The leucine amino acid residue is found in multiple mammalian species, which suggests that this missense change does not adversely affect protein function. In summary, the available evidence is currently insufficient to determine the role of this variant in disease. Therefore, it has been classified as a Variant of Uncertain Significance.